The following is an entry in ClinVar:

NM_172362.3(KCNH1):c.2455T>A (p.Ser819Thr)

Gene: KCNH1 (potassium voltage-gated channel subfamily H member 1; minus strand). Cytogenetic location: 1q32.2.
Variant type: single nucleotide variant.
Coding change: c.2455T>A on transcript NM_172362.3 (MANE Select); coding-DNA position 2455, T replaced by A.
Protein change: p.Ser819Thr; replaces serine 819 with threonine.
Molecular consequence: missense variant.
Genome position (GRCh38, 1-based): chr1:210,683,796, A>T on the plus strand (T>A on the coding strand, the complement: KCNH1 is on the minus strand). VCF-style: chr1-210683796-A-T. GRCh37 (hg19) VCF-style: chr1-210857138-A-T.
Other names: p.Ser819Thr; c.2374T>A, p.Ser792Thr (NM_002238.4); short protein forms S792T, S819T.
Identifiers: ClinVar variation 707060 (VCV000707060.41), dbSNP rs139659266, ClinGen allele CA1379659.

ClinVar aggregate classification (germline): Benign/Likely benign. Review status: criteria provided, multiple submitters, no conflicts (2 of 4 stars). 7 submissions from 7 submitters: Benign (3); Likely benign (4). Last evaluated 2026-05-01.

Allele frequency attached by ClinVar (database versions not stated): 1000 Genomes Project 30x 0.00109; 1000 Genomes Project 0.00120; ESP Exome Variant Server 0.00161; gnomAD exomes 0.00172 and 0.00194; TOPMed 0.00173; gnomAD 0.00174 and 0.00179; ExAC 0.00180.
gnomAD v4.1: 3,094 of 1,613,708 alleles (0.19%); highest among the groups gnomAD compares: Middle Eastern, 0.64%; 6 homozygotes.

Submissions (7):

CeGaT Center for Human Genetics Tuebingen
Classification: Likely benign. Last evaluated: 2026-05-01. Review status: criteria provided, single submitter. Criteria: CeGaT Center For Human Genetics Tuebingen Variant Classification Criteria Version 2. Collection method: clinical testing. Allele origin: germline. Affected: yes. Observed: 11 variant alleles.
Comment: KCNH1: BS1

Labcorp Genetics (formerly Invitae), Labcorp
Classification: Benign. Last evaluated: 2026-02-03. Review status: criteria provided, single submitter. Criteria: Invitae Variant Classification Sherloc (09022015). Collection method: clinical testing. Allele origin: germline.

Mayo Clinic Laboratories, Mayo Clinic
Classification: Likely benign. Last evaluated: 2025-09-08. Review status: criteria provided, single submitter. Criteria: ACMG Guidelines, 2015. Collection method: clinical testing. Allele origin: germline. Observed: 4 variant alleles.
Comment: BS1, BS2

Blueprint Genetics
Classification: Likely benign. Last evaluated: 2024-11-21. Review status: criteria provided, single submitter. Criteria: ACMG Guidelines, 2015. Collection method: clinical testing. Allele origin: germline.

ARUP Laboratories, Molecular Genetics and Genomics, ARUP Laboratories
Classification: Likely benign. Last evaluated: 2024-03-19. Review status: criteria provided, single submitter. Criteria: ARUP Molecular Germline Variant Investigation Process 2024. Collection method: clinical testing. Allele origin: germline.

GeneDx
Classification: Benign. Last evaluated: 2018-12-04. Review status: criteria provided, single submitter. Criteria: GeneDx Variant Classification Process June 2021. Collection method: clinical testing. Allele origin: germline. Affected: yes.

Breakthrough Genomics
Classification: Benign. Review status: criteria provided, single submitter. Criteria: ACMG Guidelines, 2015. Collection method: not provided. Allele origin: germline. Inheritance: Autosomal dominant inheritance. Affected: yes.